The following is an entry in ClinVar:

NM_015331.3(NCSTN):c.1011C>T (p.Tyr337=)

Gene: NCSTN (nicastrin; plus strand). Cytogenetic location: 1q23.2.
Variant type: single nucleotide variant.
Coding change: c.1011C>T on transcript NM_015331.3 (MANE Select); coding-DNA position 1011, C replaced by T.
Protein change: p.Tyr337=; no amino-acid change (tyrosine 337 retained).
Molecular consequence: synonymous variant.
Genome position (GRCh38, 1-based): chr1:160,352,901, C>T. VCF-style: chr1-160352901-C-T. GRCh37 (hg19) VCF-style: chr1-160322691-C-T.
Other names: c.951C>T, p.Tyr317= (NM_001290184.2); c.597C>T, p.Tyr199= (NM_001290186.2); c.1011C>T, p.Tyr337= (NM_001349729.2).
Identifiers: ClinVar variation 4703195 (VCV004703195.1).

ClinVar aggregate classification (germline): Uncertain significance (1 of 4 stars; one submission).

Submission:

Labcorp Genetics (formerly Invitae), Labcorp
Classification: Uncertain significance. Last evaluated: 2025-11-28. Review status: criteria provided, single submitter. Criteria: Invitae Variant Classification Sherloc (09022015). Collection method: clinical testing. Allele origin: germline.
Comment: This sequence change affects codon 337 of the NCSTN mRNA. It is a 'silent' change, meaning that it does not change the encoded amino acid sequence of the NCSTN protein. This variant is not present in population databases (gnomAD no frequency). This variant has not been reported in the literature in individuals affected with NCSTN-related conditions. Algorithms developed to predict the effect of sequence changes on RNA splicing suggest that this variant may create or strengthen a splice site. In summary, the available evidence is currently insufficient to determine the role of this variant in disease. Therefore, it has been classified as a Variant of Uncertain Significance.